The following is an entry in ClinVar:

NM_001042492.3(NF1):c.5323C>T (p.Gln1775Ter)

Gene: NF1 (neurofibromin 1; plus strand). Cytogenetic location: 17q11.2.
Variant type: single nucleotide variant.
Coding change: c.5323C>T on transcript NM_001042492.3 (MANE Select); coding-DNA position 5323, C replaced by T.
Protein change: p.Gln1775Ter; replaces glutamine 1775 with a stop codon.
Molecular consequence: nonsense.
Genome position (GRCh38, 1-based): chr17:31,327,553, C>T. VCF-style: chr17-31327553-C-T. GRCh37 (hg19) VCF-style: chr17-29654571-C-T.
Other names: c.5260C>T, p.Gln1754Ter (NM_000267.4); short protein forms Q1775*, Q1754*.
Identifiers: ClinVar variation 1428385 (VCV001428385.10), dbSNP rs2151540968, ClinGen allele CA399009135.

ClinVar aggregate classification (germline): Pathogenic. Review status: criteria provided, multiple submitters, no conflicts (2 of 4 stars). 3 submissions from 3 submitters: Pathogenic (3). Last evaluated 2026-03-31.

Conditions:
Neurofibromatosis, type 1 (NF1). Also called: VON RECKLINGHAUSEN DISEASE; Neurofibromatosis, type I; NEUROFIBROMATOSIS, TYPE I, SOMATIC; Peripheral type neurofibromatosis. Identifiers: Orphanet 636, MedGen C0027831, MONDO:0018975, OMIM 162200. Disease mechanism: loss of function.
Hereditary cancer-predisposing syndrome. Also called: Hereditary Cancer Syndrome; Hereditary neoplastic syndrome; Neoplastic Syndromes, Hereditary; Tumor predisposition. Identifiers: Orphanet 140162, MedGen C0027672, MeSH D009386, MONDO:0015356.
Cardiovascular phenotype. Identifiers: MedGen CN230736.

Submissions (3):

GeneDx
Classification: Pathogenic. Last evaluated: 2026-03-31. Review status: criteria provided, single submitter. Criteria: GeneDx Variant Classification Process June 2021. Collection method: clinical testing. Allele origin: germline.
Comment: Nonsense variant predicted to result in protein truncation or nonsense mediated decay in a gene for which loss of function is a known mechanism of disease; Not observed at significant frequency in large population cohorts (gnomAD); This variant is associated with the following publications: (PMID: 25525159, 31776437, 30531922, 8069310)

Labcorp Genetics (formerly Invitae), Labcorp
Classification: Pathogenic for Neurofibromatosis, type 1. Last evaluated: 2025-10-13. Review status: criteria provided, single submitter. Criteria: Invitae Variant Classification Sherloc (09022015). Collection method: clinical testing. Allele origin: germline.
Comment: This sequence change creates a premature translational stop signal (p.Gln1754*) in the NF1 gene. It is expected to result in an absent or disrupted protein product. Loss-of-function variants in NF1 are known to be pathogenic (PMID: 10712197, 23913538). This variant is not present in population databases (gnomAD no frequency). This premature translational stop signal has been observed in individual(s) with neurofibromatosis type 1 (PMID: 8069310). In at least one individual the variant was observed to be de novo. Invitae Evidence Modeling of clinical and family history, age, sex, and reported ancestry of multiple individuals with this NF1 variant has been performed. This variant is expected to be pathogenic with a positive predictive value of at least 99%. This is a validated machine learning model that incorporates the clinical features of 1,785,918 individuals referred to our laboratory for NF1 testing. ClinVar contains an entry for this variant (Variation ID: 1428385). For these reasons, this variant has been classified as Pathogenic.

Ambry Genetics
Classification: Pathogenic for Cardiovascular phenotype; Hereditary cancer-predisposing syndrome. Last evaluated: 2025-09-23. Review status: criteria provided, single submitter. Criteria: Ambry Variant Classification Scheme 2023. Collection method: clinical testing. Allele origin: germline.
Comment: The p.Q1754* pathogenic mutation (also known as c.5260C>T), located in coding exon 37 of the NF1 gene, results from a C to T substitution at nucleotide position 5260. This changes the amino acid from a glutamine to a stop codon within coding exon 37. This variant was reported in individual(s) with features consistent with Neurofibromatosis type 1; in at least one individual, it was determined to be de novo (Valero MC et al. Hum Mol Genet, 1994 Apr;3:639-41); (D'Angelo F et al. Nat Med, 2019 Jan;25:176-187); (Kang E et al. J Hum Genet, 2020 Jan;65:79-89); Ambry internal data). This variant is considered to be rare based on population cohorts in the Genome Aggregation Database (gnomAD). This alteration is expected to result in loss of function by premature protein truncation or nonsense-mediated mRNA decay. As such, this alteration is interpreted as a disease-causing mutation.

Literature cited by the submitters: PubMed 10712197 (cited by Labcorp Genetics (formerly Invitae), Labcorp); PubMed 23913538 (cited by Labcorp Genetics (formerly Invitae), Labcorp); PubMed 8069310 (cited by Labcorp Genetics (formerly Invitae), Labcorp and Ambry Genetics); PubMed 30531922 (cited by Ambry Genetics); PubMed 31776437 (cited by Ambry Genetics).